The following is an entry in ClinVar:

NM_025137.4(SPG11):c.1007+3A>G

Gene: SPG11 (SPG11 vesicle trafficking associated, spatacsin; minus strand). Cytogenetic location: 15q21.1.
Variant type: single nucleotide variant.
Coding change: c.1007+3A>G on transcript NM_025137.4 (MANE Select); 3 bases into the intron after coding-DNA position 1007, A replaced by G.
Molecular consequence: intron variant.
Genome position (GRCh38, 1-based): chr15:44,652,126, T>C on the plus strand (A>G on the coding strand, the complement: SPG11 is on the minus strand). VCF-style: chr15-44652126-T-C. GRCh37 (hg19) VCF-style: chr15-44944324-T-C.
Other names: c.1007+3A>G (NM_001160227.2).
Identifiers: ClinVar variation 1914672 (VCV001914672.3), dbSNP rs775457835, ClinGen allele CA7535656.

ClinVar aggregate classification (germline): Uncertain significance (1 of 4 stars; one submission).

Conditions:
Hereditary spastic paraplegia 11. Also called: Spastic paraplegia, mental retardation and thin corpus callosum; Nakamura Osame syndrome; Autosomal recessive hereditary spastic paraplegia, mental impairment, and thin corpus callosum; SPASTIC PARAPLEGIA, AUTOSOMAL RECESSIVE, COMPLICATED, WITH THIN CORPUS CALLOSUM; SPASTIC PARAPLEGIA, AUTOSOMAL RECESSIVE, WITH MENTAL IMPAIRMENT AND THIN CORPUS CALLOSUM; Spastic Paraplegia 11. Identifiers: Orphanet 2822, MedGen C1858479, MONDO:0011445, OMIM 604360.

Allele frequency attached by ClinVar (database versions not stated): gnomAD exomes below 0.00001; TOPMed below 0.00001; ExAC 0.00001.
gnomAD v4.1: 2 of 1,614,174 alleles (0.00012%); highest among the groups gnomAD compares: East Asian, 0.0022%; no homozygotes.

Submission:

Labcorp Genetics (formerly Invitae), Labcorp
Classification: Uncertain significance for Hereditary spastic paraplegia 11. Last evaluated: 2022-07-19. Review status: criteria provided, single submitter. Criteria: Invitae Variant Classification Sherloc (09022015). Collection method: clinical testing. Allele origin: germline.
Comment: This variant has not been reported in the literature in individuals affected with SPG11-related conditions. In summary, the available evidence is currently insufficient to determine the role of this variant in disease. Therefore, it has been classified as a Variant of Uncertain Significance. Variants that disrupt the consensus splice site are a relatively common cause of aberrant splicing (PMID: 17576681, 9536098). Algorithms developed to predict the effect of sequence changes on RNA splicing suggest that this variant is not likely to affect RNA splicing. This variant is present in population databases (rs775457835, gnomAD 0.003%). This sequence change falls in intron 5 of the SPG11 gene. It does not directly change the encoded amino acid sequence of the SPG11 protein. It affects a nucleotide within the consensus splice site.

Literature cited by the submitters: PubMed 17576681; PubMed 9536098.